The following is an entry in ClinVar:

ClinVar aggregate classification (germline): Uncertain significance (1 of 4 stars; one submission).

Allele frequency attached by ClinVar (database versions not stated): TOPMed below 0.00001; gnomAD exomes 0.00001.

Submission:

Labcorp Genetics (formerly Invitae), Labcorp
Classification: Uncertain significance. Last evaluated: 2023-07-14. Review status: criteria provided, single submitter. Criteria: Invitae Variant Classification Sherloc (09022015). Collection method: clinical testing. Allele origin: germline.
Comment: In summary, the available evidence is currently insufficient to determine the role of this variant in disease. Therefore, it has been classified as a Variant of Uncertain Significance. Experimental studies and prediction algorithms are not available or were not evaluated, and the functional significance of this variant is currently unknown. ClinVar contains an entry for this variant (Variation ID: 1435038). This variant has not been reported in the literature in individuals affected with HMX1-related conditions. This variant is not present in population databases (gnomAD no frequency). This sequence change replaces proline, which is neutral and non-polar, with serine, which is neutral and polar, at codon 8 of the HMX1 protein (p.Pro8Ser).

NM_018942.3(HMX1):c.22C>T (p.Pro8Ser)

Gene: HMX1 (H6 family homeobox 1; minus strand). Cytogenetic location: 4p16.1.
Variant type: single nucleotide variant.
Coding change: c.22C>T on transcript NM_018942.3 (MANE Select); coding-DNA position 22, C replaced by T.
Protein change: p.Pro8Ser; replaces proline 8 with serine.
Molecular consequence: missense variant.
Genome position (GRCh38, 1-based): chr4:8,871,593, G>A on the plus strand (C>T on the coding strand, the complement: HMX1 is on the minus strand). VCF-style: chr4-8871593-G-A. GRCh37 (hg19) VCF-style: chr4-8873319-G-A.
Other names: c.22C>T, p.Pro8Ser (NM_001306142.2); short protein forms P8S.
Identifiers: ClinVar variation 1435038 (VCV001435038.5), dbSNP rs1177058435, ClinGen allele CA356279553.
Genomic context (GRCh38, chr4:8,871,593, plus strand): 5'-CGGCCGCCAGCAGGTTCTCGATGAGGAAGGAGGAGGCGCGGGCCGGCGTGGCGCGCCCGG[G>A]CTCCGTCAGCTCGTCAGGCATCGCGGCCGCGGGCTTCTCGGGCTCGGCCGGGCTCCTCGG-3'
Protein context (NP_061815.2, residues 1-18): MPDELTE[Pro8Ser]GRATPARASS